The following is an entry in ClinVar:

NM_000091.5(COL4A3):c.4925T>C (p.Phe1642Ser)

Genes: COL4A3 (collagen type IV alpha 3 chain; plus strand), MFF-DT (MFF divergent transcript; minus strand). Cytogenetic location: 2q36.3.
Variant type: single nucleotide variant.
Coding change: c.4925T>C on transcript NM_000091.5 (MANE Select); coding-DNA position 4925, T replaced by C.
Protein change: p.Phe1642Ser; replaces phenylalanine 1642 with serine.
Molecular consequence: missense variant.
Genome position (GRCh38, 1-based): chr2:227,310,945, T>C. VCF-style: chr2-227310945-T-C. GRCh37 (hg19) VCF-style: chr2-228175661-T-C.
Other names: short protein forms F1642S.
Identifiers: ClinVar variation 1393321 (VCV001393321.8), dbSNP rs2106295148, ClinGen allele CA350866682.

ClinVar aggregate classification (germline): Uncertain significance (1 of 4 stars; one submission).

Submission:

Labcorp Genetics (formerly Invitae), Labcorp
Classification: Uncertain significance. Last evaluated: 2024-10-09. Review status: criteria provided, single submitter. Criteria: Invitae Variant Classification Sherloc (09022015). Collection method: clinical testing. Allele origin: germline.
Comment: This sequence change replaces phenylalanine, which is neutral and non-polar, with serine, which is neutral and polar, at codon 1642 of the COL4A3 protein (p.Phe1642Ser). This variant is not present in population databases (gnomAD no frequency). This variant has not been reported in the literature in individuals affected with COL4A3-related conditions. ClinVar contains an entry for this variant (Variation ID: 1393321). Invitae Evidence Modeling of protein sequence and biophysical properties (such as structural, functional, and spatial information, amino acid conservation, physicochemical variation, residue mobility, and thermodynamic stability) indicates that this missense variant is expected to disrupt COL4A3 protein function with a positive predictive value of 80%. In summary, the available evidence is currently insufficient to determine the role of this variant in disease. Therefore, it has been classified as a Variant of Uncertain Significance.